The following is an entry in ClinVar:

ClinVar aggregate classification (germline): Uncertain significance (1 of 4 stars; one submission).

Submission:

Labcorp Genetics (formerly Invitae), Labcorp
Classification: Uncertain significance. Last evaluated: 2021-12-27. Review status: criteria provided, single submitter. Criteria: Invitae Variant Classification Sherloc (09022015). Collection method: clinical testing. Allele origin: germline.
Comment: In summary, the available evidence is currently insufficient to determine the role of this variant in disease. Therefore, it has been classified as a Variant of Uncertain Significance. Experimental studies and prediction algorithms are not available or were not evaluated, and the functional significance of this variant is currently unknown. This variant has not been reported in the literature in individuals affected with TARS2-related conditions. This variant is present in population databases (no rsID available, gnomAD 0.0009%). This sequence change affects the initiator methionine of the TARS2 mRNA. The next in-frame methionine is located at codon 53.

NM_025150.5(TARS2):c.1A>T (p.Met1Leu)

Gene: TARS2 (threonyl-tRNA synthetase 2, mitochondrial; plus strand). Cytogenetic location: 1q21.2.
Variant type: single nucleotide variant.
Coding change: c.1A>T on transcript NM_025150.5 (MANE Select); coding-DNA position 1, A replaced by T.
Protein change: p.Met1Leu; changes the start codon (methionine 1).
Molecular consequence: missense variant, initiator codon variant. On other transcripts: non-coding transcript variant (2).
Genome position (GRCh38, 1-based): chr1:150,487,451, A>T. VCF-style: chr1-150487451-A-T. GRCh37 (hg19) VCF-style: chr1-150459927-A-T.
Other names: c.1A>T, p.Met1Leu (NM_001271895.2, NM_001271896.2); short protein forms M1L.
Identifiers: ClinVar variation 1915040 (VCV001915040.5), dbSNP rs1240194764, ClinGen allele CA342315822.